The following is an entry in ClinVar:

NC_000013.10:g.(?_77566087)_(77575104_?)dup

Gene: CLN5 (CLN5 lysosomal BMP synthase; plus strand). Cytogenetic location: 13q22.3.
Variant type: Duplication.
Identifiers: ClinVar variation 1444204 (VCV001444204.2).

ClinVar aggregate classification (germline): Uncertain significance (1 of 4 stars; one submission).

Conditions:
Neuronal ceroid lipofuscinosis. Also called: Neuronal Ceroid Lipofuscinoses. Identifiers: Orphanet 216, Orphanet 79263, MedGen C0027877, MONDO:0016295. Disease mechanism: loss of function.

Submission:

Labcorp Genetics (formerly Invitae), Labcorp
Classification: Uncertain significance for Neuronal ceroid lipofuscinosis. Last evaluated: 2022-10-24. Review status: criteria provided, single submitter. Criteria: Invitae Variant Classification Sherloc (09022015). Collection method: clinical testing. Allele origin: germline.
Comment: A copy number gain of the genomic region encompassing the full coding sequence of the CLN5 gene has been identified. The boundaries of this event are unknown as they extend beyond the assayed region for this gene and therefore may encompass additional genes. As the precise location of this event is unknown, it may be in tandem or it may be located elsewhere in the genome. This variant has not been reported in the literature in individuals affected with CLN5-related conditions. In summary, the available evidence is currently insufficient to determine the role of this variant in disease. Therefore, it has been classified as a Variant of Uncertain Significance.